The following is an entry in ClinVar:

ClinVar aggregate classification (germline): Uncertain significance (1 of 4 stars; one submission).

Submission:

Labcorp Genetics (formerly Invitae), Labcorp
Classification: Uncertain significance. Last evaluated: 2022-02-20. Review status: criteria provided, single submitter. Criteria: Invitae Variant Classification Sherloc (09022015). Collection method: clinical testing. Allele origin: germline.
Comment: In summary, the available evidence is currently insufficient to determine the role of this variant in disease. Therefore, it has been classified as a Variant of Uncertain Significance. Variants that disrupt the consensus splice site are a relatively common cause of aberrant splicing (PMID: 17576681, 9536098). Algorithms developed to predict the effect of sequence changes on RNA splicing suggest that this variant is not likely to affect RNA splicing. This variant has not been reported in the literature in individuals affected with NTHL1-related conditions. This variant is not present in population databases (gnomAD no frequency). This sequence change falls in intron 5 of the NTHL1 gene. It does not directly change the encoded amino acid sequence of the NTHL1 protein. It affects a nucleotide within the consensus splice site.

Literature cited by the submitters: PubMed 17576681; PubMed 9536098.

NM_002528.7(NTHL1):c.791+6A>C

Gene: NTHL1 (nth like DNA glycosylase 1; minus strand). Cytogenetic location: 16p13.3.
Variant type: single nucleotide variant.
Coding change: c.791+6A>C on transcript NM_002528.7 (MANE Select); 6 bases into the intron after coding-DNA position 791, A replaced by C.
Molecular consequence: intron variant.
Genome position (GRCh38, 1-based): chr16:2,040,127, T>G on the plus strand (A>C on the coding strand, the complement: NTHL1 is on the minus strand). VCF-style: chr16-2040127-T-G. GRCh37 (hg19) VCF-style: chr16-2090128-T-G.
Other names: c.461+6A>C (NM_001318194.2); c.620+6A>C (NM_001318193.2).
Identifiers: ClinVar variation 2198004 (VCV002198004.4), dbSNP rs2084240987, ClinGen allele CA2575876246.